The following is an entry in ClinVar:

NM_000038.6(APC):c.4564_4581dup (p.Leu1522_Pro1527dup)

Gene: APC (APC regulator of Wnt signaling pathway; plus strand). Cytogenetic location: 5q22.2.
Variant type: Duplication.
Coding change: c.4564_4581dup on transcript NM_000038.6 (MANE Select); coding-DNA positions 4564 to 4581, 18 bases duplicated (TTAAGAATAATGCCTCCA).
Protein change: p.Leu1522_Pro1527dup.
Molecular consequence: inframe insertion.
Genome position (GRCh38, 1-based): chr5:112,840,158-112,840,175, TTAAGAATAATGCCTCCA duplicated; duplicating any 18 consecutive bases within chr5:112,840,157-112,840,175 gives the same sequence; the c. name uses the placement nearest the transcript's 3' end. VCF-style (leftmost placement, unchanged base first): chr5-112840156-A-AATTAAGAATAATGCCTCC. GRCh37 (hg19) VCF-style: chr5-112175853-A-AATTAAGAATAATGCCTCC.
Other names: c.4564_4581dup, p.Leu1522_Pro1527dup (NM_001127510.3, NM_001354895.2); c.4510_4527dup, p.Leu1504_Pro1509dup (NM_001127511.3); c.4618_4635dup, p.Leu1540_Pro1545dup (NM_001354896.2); c.4594_4611dup, p.Leu1532_Pro1537dup (NM_001354897.2); c.4489_4506dup, p.Leu1497_Pro1502dup (NM_001354898.2); c.4480_4497dup, p.Leu1494_Pro1499dup (NM_001354899.2); c.4441_4458dup, p.Leu1481_Pro1486dup (NM_001354900.2); c.4387_4404dup, p.Leu1463_Pro1468dup (NM_001354901.2); and 6 more.
Identifiers: ClinVar variation 644400 (VCV000644400.12), dbSNP rs1380309707, ClinGen allele CA562217613.

ClinVar aggregate classification (germline): Uncertain significance. Review status: criteria provided, multiple submitters, no conflicts (2 of 4 stars). 3 submissions from 3 submitters: Uncertain significance (3). Last evaluated 2025-07-01.

Conditions:
Hereditary cancer-predisposing syndrome. Also called: Neoplastic Syndromes, Hereditary; Tumor predisposition; Hereditary neoplastic syndrome; Hereditary Cancer Syndrome. Identifiers: Orphanet 140162, MedGen C0027672, MeSH D009386, MONDO:0015356.
Familial adenomatous polyposis 1 (FAP1). Also called: FAMILIAL ADENOMATOUS POLYPOSIS 1, ATTENUATED; POLYPOSIS, ADENOMATOUS INTESTINAL. Identifiers: MedGen C2713442, MONDO:0021056, OMIM 175100. Disease mechanism: loss of function.

Submissions (3):

Ambry Genetics
Classification: Uncertain significance for Hereditary cancer-predisposing syndrome. Last evaluated: 2025-07-01. Review status: criteria provided, single submitter. Criteria: Ambry Variant Classification Scheme 2023. Collection method: clinical testing. Allele origin: germline.
Comment: The c.4564_4581dup18 variant (also known as p.L1522_P1527dup), located in coding exon 15 of the APC gene, results from an in-frame duplication of 18 nucleotides at nucleotide positions 4564 to 4581. This results in the duplication of 6 residues (LRIMPP) between codons 1522 and 1527. In addition, this variant is predicted to be deleterious by in silico analysis (Choi Y et al. PLoS ONE. 2012; 7(10):e46688). Based on the available evidence, the clinical significance of this variant remains unclear.

Labcorp Genetics (formerly Invitae), Labcorp
Classification: Uncertain significance for Familial adenomatous polyposis 1. Last evaluated: 2024-06-09. Review status: criteria provided, single submitter. Criteria: Invitae Variant Classification Sherloc (09022015). Collection method: clinical testing. Allele origin: germline.
Comment: This variant, c.4564_4581dup, results in the insertion of 6 amino acid(s) of the APC protein (p.Leu1522_Pro1527dup), but otherwise preserves the integrity of the reading frame. This variant is present in population databases (no rsID available, gnomAD 0.006%). This variant has not been reported in the literature in individuals affected with APC-related conditions. ClinVar contains an entry for this variant (Variation ID: 644400). Experimental studies and prediction algorithms are not available or were not evaluated, and the functional significance of this variant is currently unknown. In summary, the available evidence is currently insufficient to determine the role of this variant in disease. Therefore, it has been classified as a Variant of Uncertain Significance.

Quest Diagnostics Nichols Institute San Juan Capistrano
Classification: Uncertain significance. Last evaluated: 2020-05-08. Review status: criteria provided, single submitter. Criteria: Quest Diagnostics criteria. Collection method: clinical testing. Allele origin: unknown.